The following is an entry in ClinVar:

ClinVar aggregate classification (germline): Pathogenic (1 of 4 stars; one submission).

Conditions:
Ichthyosis linearis circumflexa. Identifiers: MedGen C0265962, MONDO:0043106, HP:0025810.

Allele frequency attached by ClinVar (database versions not stated): gnomAD exomes below 0.00001.
gnomAD v4.1: 1 of 1,608,238 alleles (0.000062%); highest among the groups gnomAD compares: Non-Finnish European, 0.000085%; no homozygotes.

Submission:

Labcorp Genetics (formerly Invitae), Labcorp
Classification: Pathogenic for Ichthyosis linearis circumflexa. Last evaluated: 2019-01-29. Review status: criteria provided, single submitter. Criteria: Invitae Variant Classification Sherloc (09022015). Collection method: clinical testing. Allele origin: germline.
Comment: This variant has not been reported in the literature in individuals with SPINK5-related conditions. This variant is not present in population databases (ExAC no frequency). This sequence change creates a premature translational stop signal (p.Gln338*) in the SPINK5 gene. It is expected to result in an absent or disrupted protein product. Loss-of-function variants in SPINK5 are known to be pathogenic (PMID: 11511292, 11841556). For these reasons, this variant has been classified as Pathogenic.

Literature cited by the submitters: PubMed 11511292; PubMed 11841556.

NM_006846.4(SPINK5):c.1012C>T (p.Gln338Ter)

Gene: SPINK5 (serine peptidase inhibitor Kazal type 5; plus strand). Cytogenetic location: 5q32.
Variant type: single nucleotide variant.
Coding change: c.1012C>T on transcript NM_006846.4 (MANE Select); coding-DNA position 1012, C replaced by T.
Protein change: p.Gln338Ter; replaces glutamine 338 with a stop codon.
Molecular consequence: nonsense.
Genome position (GRCh38, 1-based): chr5:148,099,235, C>T. VCF-style: chr5-148099235-C-T. GRCh37 (hg19) VCF-style: chr5-147478798-C-T.
Other names: c.1012C>T, p.Gln338Ter (NM_001127698.2, NM_001127699.2); short protein forms Q338*.
Identifiers: ClinVar variation 835174 (VCV000835174.8), dbSNP rs1394583450, ClinGen allele CA361635630.